The following is an entry in ClinVar:

ClinVar aggregate classification (germline): Uncertain significance. Review status: criteria provided, multiple submitters, no conflicts (2 of 4 stars). 2 submissions from 2 submitters: Uncertain significance (2). Last evaluated 2025-12-30.

Conditions:
Epidermolysis bullosa simplex 5C, with pyloric atresia (EBS5C). Also called: Epidermolysis bullosa simplex with pyloric atresia; PLEC-Related Epidermolysis Bullosa with Pyloric Atresia; PLEC1-Related Epidermolysis Bullosa with Pyloric Atresia. Identifiers: Orphanet 158684, MedGen C2677349, MONDO:0012807, OMIM 612138.
Epidermolysis bullosa simplex with nail dystrophy (EBS5D). Identifiers: MedGen C4225309, MONDO:0014661, OMIM 616487.
Epidermolysis bullosa simplex 5B, with muscular dystrophy (EBS5B). Also called: Epidermolysis bullosa simplex with muscular dystrophy; EPIDERMOLYSIS BULLOSA SIMPLEX AND LIMB-GIRDLE MUSCULAR DYSTROPHY. Identifiers: Orphanet 257, MedGen C2931072, MONDO:0009181, OMIM 226670.
Autosomal recessive limb-girdle muscular dystrophy type 2Q (LGMDR17). Also called: MUSCULAR DYSTROPHY, LIMB-GIRDLE, AUTOSOMAL RECESSIVE 17. Identifiers: Orphanet 254361, MedGen C3150989, MONDO:0013390, OMIM 613723.
Epidermolysis bullosa simplex, Ogna type (EBS5A). Also called: Pidermolysis bullosa simplex 5A, Ogna type; EPIDERMOLYSIS BULLOSA SIMPLEX 5A, OGNA TYPE. Identifiers: Orphanet 79401, MedGen C0432317, MONDO:0007555, OMIM 131950.

Allele frequency attached by ClinVar (database versions not stated): gnomAD exomes below 0.00001; TOPMed below 0.00001.
gnomAD v4.1: 4 of 1,597,606 alleles (0.00025%); highest among the groups gnomAD compares: Middle Eastern, 0.017%; no homozygotes.

Submissions (2):

Labcorp Genetics (formerly Invitae), Labcorp
Classification: Uncertain significance for Autosomal recessive limb-girdle muscular dystrophy type 2Q; Epidermolysis bullosa simplex, Ogna type; Epidermolysis bullosa simplex with nail dystrophy; Epidermolysis bullosa simplex 5C, with pyloric atresia; Epidermolysis bullosa simplex 5B, with muscular dystrophy. Last evaluated: 2025-12-30. Review status: criteria provided, single submitter. Criteria: Invitae Variant Classification Sherloc (09022015). Collection method: clinical testing. Allele origin: germline.
Comment: This sequence change replaces proline, which is neutral and non-polar, with serine, which is neutral and polar, at codon 1245 of the PLEC protein (p.Pro1245Ser). This variant is not present in population databases (gnomAD no frequency). This variant has not been reported in the literature in individuals affected with PLEC-related conditions. ClinVar contains an entry for this variant (Variation ID: 1402191). Invitae Evidence Modeling of protein sequence and biophysical properties (such as structural, functional, and spatial information, amino acid conservation, physicochemical variation, residue mobility, and thermodynamic stability) indicates that this missense variant is not expected to disrupt PLEC protein function with a negative predictive value of 80%. In summary, the available evidence is currently insufficient to determine the role of this variant in disease. Therefore, it has been classified as a Variant of Uncertain Significance.

Revvity Omics, Revvity
Classification: Uncertain significance. Last evaluated: 2022-01-27. Review status: criteria provided, single submitter. Criteria: ACMG Guidelines, 2015. Collection method: clinical testing. Allele origin: germline.

NM_201384.3(PLEC):c.3652C>T (p.Pro1218Ser)

Gene: PLEC (plectin; minus strand). Cytogenetic location: 8q24.3.
Variant type: single nucleotide variant.
Coding change: c.3652C>T on transcript NM_201384.3 (MANE Select); coding-DNA position 3652, C replaced by T.
Protein change: p.Pro1218Ser; replaces proline 1218 with serine.
Molecular consequence: missense variant.
Genome position (GRCh38, 1-based): chr8:143,927,514, G>A on the plus strand (C>T on the coding strand, the complement: PLEC is on the minus strand). VCF-style: chr8-143927514-G-A. GRCh37 (hg19) VCF-style: chr8-145001682-G-A.
Other names: c.3733C>T, p.Pro1245Ser (NM_000445.5); c.3610C>T, p.Pro1204Ser (NM_201378.4); c.3586C>T, p.Pro1196Ser (NM_201379.3); c.4063C>T, p.Pro1355Ser (NM_201380.4); c.3556C>T, p.Pro1186Ser (NM_201381.3); c.3652C>T, p.Pro1218Ser (NM_201382.4); c.3664C>T, p.Pro1222Ser (NM_201383.3); short protein forms P1186S, P1218S, P1204S, P1222S, P1245S, P1355S, P1196S.
Identifiers: ClinVar variation 1402191 (VCV001402191.8), dbSNP rs1586970289, ClinGen allele CA372565228.